The following is an entry in ClinVar:

ClinVar aggregate classification (germline): Uncertain significance (1 of 4 stars; one submission).

Conditions:
Saldino-Mainzer syndrome (SRTD9). Also called: short-rib thoracic dysplasia 9 with or without polydactyly; CONORENAL SYNDROME; Renal dysplasia, retinal pigmentary dystrophy, cerebellar ataxia and skeletal dysplasia; SHORT-RIB THORACIC DYSPLASIA 9 WITHOUT POLYDACTYLY. Identifiers: Orphanet 140969, MedGen C1849437, MONDO:0009964, OMIM 266920.

gnomAD v4.1: 4 of 1,590,832 alleles (0.00025%); highest among the groups gnomAD compares: Non-Finnish European, 0.00034%; no homozygotes.

Submission:

Labcorp Genetics (formerly Invitae), Labcorp
Classification: Uncertain significance for Saldino-Mainzer syndrome. Last evaluated: 2022-05-04. Review status: criteria provided, single submitter. Criteria: Invitae Variant Classification Sherloc (09022015). Collection method: clinical testing. Allele origin: germline.
Comment: Algorithms developed to predict the effect of missense changes on protein structure and function are either unavailable or do not agree on the potential impact of this missense change (SIFT: "Deleterious"; PolyPhen-2: "Possibly Damaging"; Align-GVGD: "Class C0"). In summary, the available evidence is currently insufficient to determine the role of this variant in disease. Therefore, it has been classified as a Variant of Uncertain Significance. This variant has not been reported in the literature in individuals affected with IFT140-related conditions. This variant is not present in population databases (gnomAD no frequency). This sequence change replaces arginine, which is basic and polar, with serine, which is neutral and polar, at codon 848 of the IFT140 protein (p.Arg848Ser).

NM_014714.4(IFT140):c.2542C>A (p.Arg848Ser)

Gene: IFT140 (intraflagellar transport 140; minus strand). Cytogenetic location: 16p13.3.
Variant type: single nucleotide variant.
Coding change: c.2542C>A on transcript NM_014714.4 (MANE Select); coding-DNA position 2542, C replaced by A.
Protein change: p.Arg848Ser; replaces arginine 848 with serine.
Molecular consequence: missense variant.
Genome position (GRCh38, 1-based): chr16:1,526,654, G>T on the plus strand (C>A on the coding strand, the complement: IFT140 is on the minus strand). VCF-style: chr16-1526654-G-T. GRCh37 (hg19) VCF-style: chr16-1576655-G-T.
Other names: short protein forms R848S.
Identifiers: ClinVar variation 2133491 (VCV002133491.4), dbSNP rs201384469, ClinGen allele CA394228086.